The following is an entry in ClinVar:

NM_001903.5(CTNNA1):c.1593A>G (p.Gln531=)

Gene: CTNNA1 (catenin alpha 1; plus strand). Cytogenetic location: 5q31.2.
Variant type: single nucleotide variant.
Coding change: c.1593A>G on transcript NM_001903.5 (MANE Select); coding-DNA position 1593, A replaced by G.
Protein change: p.Gln531=; no amino-acid change (glutamine 531 retained).
Molecular consequence: synonymous variant.
Genome position (GRCh38, 1-based): chr5:138,924,556, A>G. VCF-style: chr5-138924556-A-G. GRCh37 (hg19) VCF-style: chr5-138260245-A-G.
Other names: c.1593A>G, p.Gln531= (NM_001290307.3, NM_001323982.2, NM_001323983.1 and 2 more transcripts); c.1284A>G, p.Gln428= (NM_001290309.3); c.1224A>G, p.Gln408= (NM_001290310.3); c.483A>G, p.Gln161= (NM_001290312.1, NM_001323987.1, NM_001323988.1 and 17 more transcripts); c.1500A>G, p.Gln500= (NM_001323986.2); c.144A>G, p.Gln48= (NM_001324006.1, NM_001324007.1, NM_001324008.1 and 2 more transcripts); c.390A>G, p.Gln130= (NM_001324011.1); c.240A>G, p.Gln80= (NM_001324012.1, NM_001324013.1); and 1 more.
Identifiers: ClinVar variation 239059 (VCV000239059.21), dbSNP rs200279871, ClinGen allele CA3431995.

ClinVar aggregate classification (germline): Conflicting classifications of pathogenicity. Review status: criteria provided, conflicting classifications (1 of 4 stars). 6 submissions from 6 submitters: Uncertain significance (1); Benign (1); Likely benign (4). Last evaluated 2026-02-01.

Conditions:
CTNNA1-related disorder. Also called: CTNNA1-related condition.
Hereditary cancer-predisposing syndrome. Also called: Neoplastic Syndromes, Hereditary; Hereditary neoplastic syndrome; Hereditary Cancer Syndrome; Tumor predisposition. Identifiers: Orphanet 140162, MedGen C0027672, MeSH D009386, MONDO:0015356.
Hereditary diffuse gastric adenocarcinoma (HDGC). Also called: DIFFUSE GASTRIC AND LOBULAR BREAST CANCER SYNDROME. Identifiers: Orphanet 26106, MedGen C1708349, MONDO:0007648, OMIM 137215.

Allele frequency attached by ClinVar (database versions not stated): gnomAD 0.00001 and 0.00005; TOPMed 0.00001; gnomAD exomes 0.00003 and 0.00011; ExAC 0.00009; 1000 Genomes Project 30x 0.00109; 1000 Genomes Project 0.00120.
gnomAD v4.1: 71 of 1,614,172 alleles (0.0044%); highest among the groups gnomAD compares: East Asian, 0.056%; no homozygotes.

Submissions (10):

Labcorp Genetics (formerly Invitae), Labcorp
Classification: Likely benign. Last evaluated: 2026-02-01. Review status: criteria provided, single submitter. Criteria: Invitae Variant Classification Sherloc (09022015). Collection method: clinical testing. Allele origin: germline.

PreventionGenetics, part of Exact Sciences
Classification: Likely benign for CTNNA1-related condition. Last evaluated: 2025-11-20. Review status: criteria provided, single submitter. Criteria: ACMG Guidelines, 2015. Collection method: clinical testing. Allele origin: germline.
Comment: This variant is classified as likely benign based on ACMG/AMP sequence variant interpretation guidelines (Richards et al. 2015 PMID: 25741868, with internal and published modifications).

Blueprint Genetics
Classification: Likely benign. Last evaluated: 2024-10-18. Review status: criteria provided, single submitter. Criteria: ACMG Guidelines, 2015. Collection method: clinical testing. Allele origin: germline.

Myriad Genetics, Inc.
Classification: Benign for Hereditary diffuse gastric adenocarcinoma. Last evaluated: 2024-10-11. Review status: criteria provided, single submitter. Criteria: Myriad Autosomal Dominant, Autosomal Recessive and X-Linked Classification Criteria (2023). Collection method: clinical testing. Allele origin: unknown.
Comment: This variant is considered benign. This variant is a silent/synonymous amino acid change and it is not expected to impact splicing.

GeneDx
Classification: Uncertain significance. Last evaluated: 2022-06-03. Review status: criteria provided, single submitter. Criteria: GeneDx Variant Classification Process June 2021. Collection method: clinical testing. Allele origin: germline. Affected: yes.
Comment: In silico analysis supports a deleterious effect on splicing; Has not been previously published as pathogenic or benign to our knowledge

Ambry Genetics
Classification: Likely benign for Hereditary cancer-predisposing syndrome. Last evaluated: 2018-10-12. Review status: criteria provided, single submitter. Criteria: Ambry Variant Classification Scheme 2023. Collection method: clinical testing. Allele origin: germline.

Dr. Peter K. Rogan Lab, Western University
No classification provided (evidence only). Condition: Hepatocellular carcinoma. Review status: no classification provided. Collection method: in vitro. Allele origin: not applicable. Functional consequence: retained intron. Not counted in ClinVar's aggregate classification.

Dr. Peter K. Rogan Lab, Western University
No classification provided (evidence only). Condition: Hepatocellular carcinoma. Review status: no classification provided. Collection method: in vitro. Allele origin: not applicable. Functional consequence: retained intron. Not counted in ClinVar's aggregate classification.

Dr. Peter K. Rogan Lab, Western University
No classification provided (evidence only). Condition: Hepatocellular carcinoma. Review status: no classification provided. Collection method: in vitro. Allele origin: not applicable. Functional consequence: retained intron. Not counted in ClinVar's aggregate classification.

Dr. Peter K. Rogan Lab, Western University
No classification provided (evidence only). Condition: Nonpapillary renal cell carcinoma. Review status: no classification provided. Collection method: in vitro. Allele origin: not applicable. Functional consequence: retained intron. Not counted in ClinVar's aggregate classification.